The following is an entry in ClinVar:

NM_000308.4(CTSA):c.33GCT[9] (p.Leu19dup)

Gene: CTSA (cathepsin A; plus strand). Cytogenetic location: 20q13.12.
Variant type: Microsatellite.
Coding change: c.33GCT[9] on transcript NM_000308.4 (MANE Select); nine copies in a row of the 3-base unit GCT starting at c.33; the reference has eight copies in a row; one copy, 3 bases duplicated.
Protein change: p.Leu19dup; duplicates leucine 19.
Molecular consequence: inframe insertion. On other transcripts: non-coding transcript variant (1).
Genome position (GRCh38, 1-based): chr20:45,891,622-45,891,624, GCT duplicated; duplicating any 3 consecutive bases within chr20:45,891,599-45,891,624 gives the same sequence; the position shown is the placement nearest the transcript's 3' end. VCF-style (leftmost placement, unchanged base first): chr20-45891598-C-CCTG. GRCh37 (hg19) VCF-style: chr20-44520237-C-CCTG.
Other names: p.Leu37dup; c.108_110dupGCT (NM_000308.3); c.33GCT[9], p.Leu19dup (NM_001127695.3, NM_001167594.3); c.108_110dup (NM_000308.3).
Identifiers: ClinVar variation 632780 (VCV000632780.39), dbSNP rs72555383, ClinGen allele CA9882897.

ClinVar aggregate classification (germline): Benign/Likely benign. Review status: criteria provided, multiple submitters, no conflicts (2 of 4 stars). 5 submissions from 5 submitters: Benign (2); Likely benign (2). 1 of the submissions does not count toward it. Last evaluated 2026-02-04.

Conditions:
Combined deficiency of sialidase AND beta galactosidase (GSL). Also called: NEURAMINIDASE DEFICIENCY WITH BETA-GALACTOSIDASE DEFICIENCY; NEURAMINIDASE/BETA-GALACTOSIDASE EXPRESSION; PPCA DEFICIENCY; PROTECTIVE PROTEIN/CATHEPSIN A DEFICIENCY; Galactosialidosis; CATHEPSIN A DEFICIENCY. Identifiers: Orphanet 351, MedGen C0268233, MONDO:0009737, OMIM 256540.
CTSA-related disorder. Also called: CTSA-related condition.

Submissions (5):

Labcorp Genetics (formerly Invitae), Labcorp
Classification: Benign for Combined deficiency of sialidase AND beta galactosidase. Last evaluated: 2026-02-04. Review status: criteria provided, single submitter. Criteria: Invitae Variant Classification Sherloc (09022015). Collection method: clinical testing. Allele origin: germline.

Mayo Clinic Laboratories, Mayo Clinic
Classification: Likely benign. Last evaluated: 2025-01-02. Review status: criteria provided, single submitter. Criteria: ACMG Guidelines, 2015. Collection method: clinical testing. Allele origin: germline. Observed: 3 variant alleles.
Comment: BS1, BP3

CeGaT Center for Human Genetics Tuebingen
Classification: Likely benign. Last evaluated: 2024-10-01. Review status: criteria provided, single submitter. Criteria: CeGaT Center For Human Genetics Tuebingen Variant Classification Criteria Version 2. Collection method: clinical testing. Allele origin: germline. Affected: yes. Observed: 9 variant alleles.
Comment: CTSA: BS2

Women's Health and Genetics/Laboratory Corporation of America, LabCorp
Classification: Benign. Last evaluated: 2018-06-15. Review status: criteria provided, single submitter. Criteria: LabCorp Variant Classification Summary - May 2015. Collection method: clinical testing. Allele origin: germline.
Comment: Variant summary: CTSA c.108_110dupGCT (p.Leu37dup) results in an in-frame insertion of a leucine into a repetitive region of the encoded protein sequence; this region consists of several consecutive leucines and doesn't have a known function. The variant allele was found at a frequency of 0.0055 in 230752 control chromosomes in the gnomAD database, including 5 homozygotes. The observed variant frequency is approximately 3.46 fold of the estimated maximal expected allele frequency for a pathogenic variant in CTSA causing Galactosialidosis phenotype (0.0016), strongly suggesting that the variant is benign. To our knowledge, no occurrence of c.108_110dupGCT in individuals affected with Galactosialidosis and no experimental evidence demonstrating its impact on protein function have been reported. No clinical diagnostic laboratories have submitted clinical-significance assessments for this variant to ClinVar after 2014. Based on the evidence outlined above, the variant was classified as benign.

PreventionGenetics, part of Exact Sciences
Classification: Benign for CTSA-related condition. Last evaluated: 2019-04-15. Review status: no assertion criteria provided. Collection method: clinical testing. Allele origin: germline. Not counted in ClinVar's aggregate classification.
Comment: This variant is classified as benign based on ACMG/AMP sequence variant interpretation guidelines (Richards et al. 2015 PMID: 25741868, with internal and published modifications).